The following is an entry in ClinVar:

NM_004304.5(ALK):c.696C>A (p.Asn232Lys)

Gene: ALK (ALK receptor tyrosine kinase; minus strand). Cytogenetic location: 2p23.2.
Variant type: single nucleotide variant.
Coding change: c.696C>A on transcript NM_004304.5 (MANE Select); coding-DNA position 696, C replaced by A.
Protein change: p.Asn232Lys; replaces asparagine 232 with lysine.
Molecular consequence: missense variant.
Genome position (GRCh38, 1-based): chr2:29,717,669, G>T on the plus strand (C>A on the coding strand, the complement: ALK is on the minus strand). VCF-style: chr2-29717669-G-T. GRCh37 (hg19) VCF-style: chr2-29940535-G-T.
Other names: short protein forms N232K.
Identifiers: ClinVar variation 2997696 (VCV002997696.3), dbSNP rs2465432884, ClinGen allele CA346587799.

ClinVar aggregate classification (germline): Uncertain significance (1 of 4 stars; one submission).

Conditions:
Neuroblastoma, susceptibility to, 3. Also called: ALK-Related Neuroblastic Tumor Susceptibility. Identifiers: Orphanet 635, MedGen C2751681, MONDO:0013083, OMIM 613014.

Submission:

Labcorp Genetics (formerly Invitae), Labcorp
Classification: Uncertain significance for Neuroblastoma, susceptibility to, 3. Last evaluated: 2023-08-28. Review status: criteria provided, single submitter. Criteria: Invitae Variant Classification Sherloc (09022015). Collection method: clinical testing. Allele origin: germline.
Comment: This variant is not present in population databases (gnomAD no frequency). In summary, the available evidence is currently insufficient to determine the role of this variant in disease. Therefore, it has been classified as a Variant of Uncertain Significance. An algorithm developed to predict the effect of missense changes on protein structure and function (PolyPhen-2) suggests that this variant is likely to be tolerated. This variant has not been reported in the literature in individuals affected with ALK-related conditions. This sequence change replaces asparagine, which is neutral and polar, with lysine, which is basic and polar, at codon 232 of the ALK protein (p.Asn232Lys).